The following is an entry in ClinVar:

NM_016169.4(SUFU):c.699G>A (p.Trp233Ter)

Gene: SUFU (SUFU negative regulator of hedgehog signaling; plus strand). Cytogenetic location: 10q24.32.
Variant type: single nucleotide variant.
Coding change: c.699G>A on transcript NM_016169.4 (MANE Select); coding-DNA position 699, G replaced by A.
Protein change: p.Trp233Ter; replaces tryptophan 233 with a stop codon.
Molecular consequence: nonsense.
Genome position (GRCh38, 1-based): chr10:102,594,008, G>A. VCF-style: chr10-102594008-G-A. GRCh37 (hg19) VCF-style: chr10-104353765-G-A.
Other names: c.699G>A, p.Trp233Ter (NM_001178133.2); short protein forms W233*.
Identifiers: ClinVar variation 4786983 (VCV004786983.1).
Genomic context (GRCh38, chr10:102,594,008, plus strand): 5'-CCCCAGACCCTCAGTTACCATTGTATCCCCTTTCCTTGTCCACAGTGCTGGCGGCCCCTG[G>A]CTGATAACTGACATGCGGAGGGGAGAGACCATATTTGAGATCGATCCACACCTGCAAGTA-3'

ClinVar aggregate classification (germline): Pathogenic (1 of 4 stars; one submission).

Conditions:
Gorlin syndrome. Also called: Nevoid Basal Cell Carcinoma Syndrome; Basal cell nevus syndrome. Identifiers: Orphanet 377, MedGen C0004779, MONDO:0007187.
Medulloblastoma (MDB). Also called: Medulloblastoma, somatic; MEDULLOBLASTOMA PREDISPOSITION SYNDROME. Identifiers: Orphanet 616, MedGen C0025149, MeSH D008527, MONDO:0007959, OMIM 155255, HP:0002885.

Submission:

Labcorp Genetics (formerly Invitae), Labcorp
Classification: Pathogenic for Gorlin syndrome; Medulloblastoma. Last evaluated: 2026-01-07. Review status: criteria provided, single submitter. Criteria: Invitae Variant Classification Sherloc (09022015). Collection method: clinical testing. Allele origin: germline.
Comment: This sequence change creates a premature translational stop signal (p.Trp233*) in the SUFU gene. It is expected to result in an absent or disrupted protein product. Loss-of-function variants in SUFU are known to be pathogenic (PMID: 22508808, 25403219, 33024317). This variant is not present in population databases (gnomAD no frequency). This variant has not been reported in the literature in individuals affected with SUFU-related conditions. Algorithms developed to predict the effect of sequence changes on RNA splicing suggest that this variant may disrupt the consensus splice site. For these reasons, this variant has been classified as Pathogenic.

Literature cited by the submitters: PubMed 22508808; PubMed 25403219; PubMed 33024317.